The following is an entry in ClinVar:

NM_001267550.2(TTN):c.33826+1G>A

Gene: TTN (titin; minus strand). Cytogenetic location: 2q31.2.
Variant type: single nucleotide variant.
Coding change: c.33826+1G>A on transcript NM_001267550.2 (MANE Select); the canonical splice donor site of the intron after coding-DNA position 33826, G replaced by A.
Molecular consequence: splice donor variant. On other transcripts: intron variant (3).
Genome position (GRCh38, 1-based): chr2:178,678,746, C>T on the plus strand (G>A on the coding strand, the complement: TTN is on the minus strand). VCF-style: chr2-178678746-C-T. GRCh37 (hg19) VCF-style: chr2-179543473-C-T.
Other names: c.13283-36429G>A (NM_003319.4); c.13859-36429G>A (NM_133437.4); c.13658-36429G>A (NM_133432.3); c.30094+1G>A (NM_133378.4); c.32875+1G>A (NM_001256850.1).
Identifiers: ClinVar variation 522785 (VCV000522785.20), dbSNP rs1389908421, ClinGen allele CA349532964.

ClinVar aggregate classification (germline): Conflicting classifications of pathogenicity. Review status: criteria provided, conflicting classifications (1 of 4 stars). 5 submissions from 5 submitters: Pathogenic (2); Likely pathogenic (1); Uncertain significance (2). Last evaluated 2025-08-01.

Conditions:
Dilated cardiomyopathy 1G (CMD1G). Identifiers: Orphanet 154, MedGen C1858763, MONDO:0011400, OMIM 604145.
Autosomal recessive limb-girdle muscular dystrophy type 2J (LGMDR10). Also called: MUSCULAR DYSTROPHY, LIMB-GIRDLE, AUTOSOMAL RECESSIVE 10; Limb-girdle muscular dystrophy, type 2J. Identifiers: Orphanet 140922, MedGen C1837342, MONDO:0012127, OMIM 608807.
Primary dilated cardiomyopathy (DCM). Also called: Dilated Cardiomyopathy. Identifiers: Orphanet 217604, MedGen C0007193, MeSH D002311, MONDO:0005021, HP:0001644. Inheritance: Various modes of inheritance.

Allele frequency attached by ClinVar (database versions not stated): gnomAD exomes below 0.00001.
gnomAD v4.1: 2 of 1,600,884 alleles (0.00012%); highest among the groups gnomAD compares: Middle Eastern, 0.017%; no homozygotes.

Submissions (5):

CeGaT Center for Human Genetics Tuebingen
Classification: Uncertain significance. Last evaluated: 2025-08-01. Review status: criteria provided, single submitter. Criteria: CeGaT Center For Human Genetics Tuebingen Variant Classification Criteria Version 2. Collection method: clinical testing. Allele origin: germline. Affected: yes. Observed: 1 variant allele.
Comment: TTN: PM2, PVS1:Moderate

Department of Genetics and Molecular Biology, Isfahan University of Medical Sciences
Classification: Pathogenic for Dilated cardiomyopathy. Last evaluated: 2025-05-24. Review status: criteria provided, single submitter. Criteria: ACMG Guidelines, 2015. Collection method: clinical testing. Allele origin: germline. Affected: yes.
Comment: Classification based on ACMG criteria: PVS1 (predicted loss of function at canonical splice site), PM2 (absent from population databases), PM1 (located in a mutational hotspot or functional domain), PP4 (patient phenotype highly specific for gene), PS4 (variant frequency significantly increased in affected individuals)

Labcorp Genetics (formerly Invitae), Labcorp
Classification: Likely pathogenic for Dilated cardiomyopathy 1G; Autosomal recessive limb-girdle muscular dystrophy type 2J. Last evaluated: 2024-10-28. Review status: criteria provided, single submitter. Criteria: Invitae Variant Classification Sherloc (09022015). Collection method: clinical testing. Allele origin: germline.
Comment: This sequence change affects a donor splice site in intron 143 of the TTN gene. It is expected to disrupt RNA splicing and likely results in a truncated or disrupted TTN protein. This variant is present in population databases (no rsID available, gnomAD 0.004%). This variant has not been reported in the literature in individuals affected with TTN-related conditions. ClinVar contains an entry for this variant (Variation ID: 522785). Algorithms developed to predict the effect of sequence changes on RNA splicing suggest that this variant may disrupt the consensus splice site. This variant is located in the I band of TTN (PMID: 25589632). Truncating variants in this region have been reported in individuals affected with autosomal recessive centronuclear myopathy (PMID: 23975875, internal data). Truncating variants in this region have also been identified in individuals affected with autosomal dominant dilated cardiomyopathy and/or cardio-related conditions (PMID: 27869827, 32964742, internal data). In summary, the currently available evidence indicates that the variant is pathogenic, but additional data are needed to prove that conclusively. Therefore, this variant has been classified as Likely Pathogenic.

Genomic Research Center, Shahid Beheshti University of Medical Sciences
Classification: Pathogenic for Dilated cardiomyopathy 1G. Last evaluated: 2020-05-03. Review status: criteria provided, single submitter. Criteria: ACMG Guidelines, 2015. Collection method: clinical testing. Allele origin: unknown. Affected: yes.

GeneDx
Classification: Uncertain significance. Last evaluated: 2019-08-07. Review status: criteria provided, single submitter. Criteria: GeneDx Variant Classification Process June 2021. Collection method: clinical testing. Allele origin: germline. Affected: yes.
Comment: Canonical splice site variant within the I-band region; Not observed at a significant frequency in large population cohorts (Lek et al., 2016); Has not been previously published as pathogenic or benign to our knowledge

Literature cited by the submitters: PubMed 22335739 (cited by Department of Genetics and Molecular Biology, Isfahan University of Medical Sciences); PubMed 25589632 (cited by Labcorp Genetics (formerly Invitae), Labcorp); PubMed 23975875 (cited by Labcorp Genetics (formerly Invitae), Labcorp); PubMed 27869827 (cited by Labcorp Genetics (formerly Invitae), Labcorp); PubMed 32964742 (cited by Labcorp Genetics (formerly Invitae), Labcorp).